The following is an entry in ClinVar:

NM_002609.4(PDGFRB):c.130C>T (p.Leu44Phe)

Gene: PDGFRB (platelet derived growth factor receptor beta; minus strand). Cytogenetic location: 5q32.
Variant type: single nucleotide variant.
Coding change: c.130C>T on transcript NM_002609.4 (MANE Select); coding-DNA position 130, C replaced by T.
Protein change: p.Leu44Phe; replaces leucine 44 with phenylalanine.
Molecular consequence: missense variant. On other transcripts: 5 prime UTR variant (2).
Genome position (GRCh38, 1-based): chr5:150,135,789, G>A on the plus strand (C>T on the coding strand, the complement: PDGFRB is on the minus strand). VCF-style: chr5-150135789-G-A. GRCh37 (hg19) VCF-style: chr5-149515352-G-A.
Other names: c.-63C>T (NM_001355016.2); c.-388C>T (NM_001355017.2); short protein forms L44F.
Identifiers: ClinVar variation 3342581 (VCV003342581.2).
Genomic context (GRCh38, chr5:150,135,789, plus strand): 5'-GTTCCCACACCACCGGAGCTGAACCCGAGCAGGTCAGAACGAAGGTGCTGGAGACATTGA[G>A]GACAAGCTCTGGCCCCGGGGGTGTGACGACCAGGCCCTGAGAGATCTGTGGTTCCAGAAG-3'
Protein context (NP_002600.1, residues 34-54): VVTPPGPELV[Leu44Phe]NVSSTFVLTC

ClinVar aggregate classification (germline): Uncertain significance (1 of 4 stars; one submission).

gnomAD v4.1: 2 of 1,606,908 alleles (0.00012%); highest among the groups gnomAD compares: African/African-American, 0.0027%; no homozygotes.

Submission:

GeneDx
Classification: Uncertain significance. Last evaluated: 2026-01-31. Review status: criteria provided, single submitter. Criteria: GeneDx Variant Classification Process June 2021. Collection method: clinical testing. Allele origin: germline.
Comment: Not observed at significant frequency in large population cohorts (gnomAD); In silico analysis supports that this missense variant has a deleterious effect on protein structure/function; Has not been previously published as pathogenic or benign to our knowledge